The following is an entry in ClinVar:

NM_001358530.2(MOCS1):c.861C>A (p.Ser287Arg)

Gene: MOCS1 (molybdenum cofactor synthesis 1; minus strand). Cytogenetic location: 6p21.2.
Variant type: single nucleotide variant.
Coding change: c.861C>A on transcript NM_001358530.2 (MANE Select); coding-DNA position 861, C replaced by A.
Protein change: p.Ser287Arg; replaces serine 287 with arginine.
Molecular consequence: missense variant. On other transcripts: non-coding transcript variant (1).
Genome position (GRCh38, 1-based): chr6:39,912,901, G>T on the plus strand (C>A on the coding strand, the complement: MOCS1 is on the minus strand). VCF-style: chr6-39912901-G-T. GRCh37 (hg19) VCF-style: chr6-39880645-G-T.
Other names: c.861C>A, p.Ser287Arg (NM_001075098.4, NM_001358529.2, NM_005943.6); c.600C>A, p.Ser200Arg (NM_001358531.2, NM_001358533.2, NM_001358534.2); short protein forms S200R, S287R.
Identifiers: ClinVar variation 1961301 (VCV001961301.3), dbSNP rs373722664, ClinGen allele CA3796136.

ClinVar aggregate classification (germline): Uncertain significance (1 of 4 stars; one submission).

Conditions:
Sulfite oxidase deficiency due to molybdenum cofactor deficiency type A. Also called: Molybdenum cofactor deficiency, complementation group A; Molybdenum Cofactor Deficiency A. Identifiers: Orphanet 308386, Orphanet 833, MedGen C1854988, MONDO:0009643, OMIM 252150.

Allele frequency attached by ClinVar (database versions not stated): ExAC 0.00001; gnomAD 0.00001; gnomAD exomes 0.00001; ESP Exome Variant Server 0.00008.
gnomAD v4.1: 21 of 1,613,878 alleles (0.0013%); highest among the groups gnomAD compares: Non-Finnish European, 0.0016%; no homozygotes.

Submission:

Labcorp Genetics (formerly Invitae), Labcorp
Classification: Uncertain significance for Sulfite oxidase deficiency due to molybdenum cofactor deficiency type A. Last evaluated: 2022-11-15. Review status: criteria provided, single submitter. Criteria: Invitae Variant Classification Sherloc (09022015). Collection method: clinical testing. Allele origin: germline.
Comment: This sequence change replaces serine, which is neutral and polar, with arginine, which is basic and polar, at codon 287 of the MOCS1 protein (p.Ser287Arg). In summary, the available evidence is currently insufficient to determine the role of this variant in disease. Therefore, it has been classified as a Variant of Uncertain Significance. Algorithms developed to predict the effect of missense changes on protein structure and function are either unavailable or do not agree on the potential impact of this missense change (SIFT: "Not Available"; PolyPhen-2: "Benign"; Align-GVGD: "Not Available"). This variant has not been reported in the literature in individuals affected with MOCS1-related conditions. This variant is present in population databases (rs373722664, gnomAD 0.0009%).